The following is an entry in ClinVar:

ClinVar aggregate classification (germline): Uncertain significance (1 of 4 stars; one submission).

Conditions:
Lesch-Nyhan syndrome (LNS). Also called: HPRT DEFICIENCY, COMPLETE; Lesch-Nyhan Disease (LND). Identifiers: Orphanet 510, MedGen C0023374, MONDO:0010298, OMIM 300322.
Partial hypoxanthine-guanine phosphoribosyltransferase deficiency. Also called: HPRT DEFICIENCY, PARTIAL; HYPOXANTHINE GUANINE PHOSPHORIBOSYLTRANSFERASE 1 DEFICIENCY, PARTIAL; Kelley-Seegmiller Syndrome; HPRT1 DEFICIENCY, PARTIAL; GOUT, HPRT-RELATED. Identifiers: Orphanet 79233, MedGen C0268117, MONDO:0010299, OMIM 300323.

Submission:

Labcorp Genetics (formerly Invitae), Labcorp
Classification: Uncertain significance for Lesch-Nyhan syndrome; Partial hypoxanthine-guanine phosphoribosyltransferase deficiency. Last evaluated: 2025-01-23. Review status: criteria provided, single submitter. Criteria: Invitae Variant Classification Sherloc (09022015). Collection method: clinical testing. Allele origin: germline.
Comment: This sequence change replaces arginine, which is basic and polar, with serine, which is neutral and polar, at codon 91 of the HPRT1 protein (p.Arg91Ser). This variant is not present in population databases (gnomAD no frequency). This variant has not been reported in the literature in individuals affected with HPRT1-related conditions. An algorithm developed to predict the effect of missense changes on protein structure and function (PolyPhen-2) suggests that this variant is likely to be tolerated. In summary, the available evidence is currently insufficient to determine the role of this variant in disease. Therefore, it has been classified as a Variant of Uncertain Significance.

NM_000194.3(HPRT1):c.273A>T (p.Arg91Ser)

Gene: HPRT1 (hypoxanthine phosphoribosyltransferase 1; plus strand). Cytogenetic location: Xq26.2.
Variant type: single nucleotide variant.
Coding change: c.273A>T on transcript NM_000194.3 (MANE Select); coding-DNA position 273, A replaced by T.
Protein change: p.Arg91Ser; replaces arginine 91 with serine.
Molecular consequence: missense variant.
Genome position (GRCh38, 1-based): chrX:134,475,319, A>T. VCF-style: chrX-134475319-A-T. GRCh37 (hg19) VCF-style: chrX-133609349-A-T.
Other names: short protein forms R91S.
Identifiers: ClinVar variation 3748665 (VCV003748665.2).